The following is an entry in ClinVar:

NM_024876.4(COQ8B):c.1365T>C (p.Tyr455=)

Gene: COQ8B (coenzyme Q8B; minus strand). Cytogenetic location: 19q13.2.
Variant type: single nucleotide variant.
Coding change: c.1365T>C on transcript NM_024876.4 (MANE Select); coding-DNA position 1365, T replaced by C.
Protein change: p.Tyr455=; no amino-acid change (tyrosine 455 retained).
Molecular consequence: synonymous variant.
Genome position (GRCh38, 1-based): chr19:40,692,305, A>G on the plus strand (T>C on the coding strand, the complement: COQ8B is on the minus strand). VCF-style: chr19-40692305-A-G. GRCh37 (hg19) VCF-style: chr19-41198210-A-G.
Other names: p.Tyr455=; c.1242T>C, p.Tyr414= (NM_001142555.3).
Identifiers: ClinVar variation 382053 (VCV000382053.14), dbSNP rs17851001, ClinGen allele CA9450024.

ClinVar aggregate classification (germline): Benign/Likely benign. Review status: criteria provided, multiple submitters, no conflicts (2 of 4 stars). 5 submissions from 5 submitters: Benign (4); Likely benign (1). Last evaluated 2026-01-31.

Allele frequency attached by ClinVar (database versions not stated): gnomAD exomes 0.00121 and 0.00326; ExAC 0.00395; gnomAD 0.01265 and 0.01362; 1000 Genomes Project 0.01358; 1000 Genomes Project 30x 0.01421; ESP Exome Variant Server 0.01500; TOPMed 0.01546.
gnomAD v4.1: 3,789 of 1,613,738 alleles (0.23%); highest among the groups gnomAD compares: African/African-American, 4.4%; 87 homozygotes.

Submissions (5):

Labcorp Genetics (formerly Invitae), Labcorp
Classification: Benign. Last evaluated: 2026-01-31. Review status: criteria provided, single submitter. Criteria: Invitae Variant Classification Sherloc (09022015). Collection method: clinical testing. Allele origin: germline.

Blueprint Genetics
Classification: Likely benign. Last evaluated: 2024-11-27. Review status: criteria provided, single submitter. Criteria: ACMG Guidelines, 2015. Collection method: clinical testing. Allele origin: germline.

Mayo Clinic Laboratories, Mayo Clinic
Classification: Benign. Last evaluated: 2018-09-17. Review status: criteria provided, single submitter. Criteria: ACMG Guidelines, 2015. Collection method: clinical testing. Allele origin: germline. Observed: 16 variant alleles.

GeneDx
Classification: Benign. Last evaluated: 2016-02-09. Review status: criteria provided, single submitter. Criteria: GeneDx Variant Classification (06012015). Collection method: clinical testing. Allele origin: germline. Affected: yes.
Comment: This variant is considered likely benign or benign based on one or more of the following criteria: it is a conservative change, it occurs at a poorly conserved position in the protein, it is predicted to be benign by multiple in silico algorithms, and/or has population frequency not consistent with disease.

Breakthrough Genomics
Classification: Benign. Review status: criteria provided, single submitter. Criteria: ACMG Guidelines, 2015. Collection method: not provided. Allele origin: germline. Inheritance: Autosomal recessive inheritance. Affected: yes.